The following is an entry in ClinVar:

NM_016333.4(SRRM2):c.4382G>T (p.Gly1461Val)

Gene: SRRM2 (serine/arginine repetitive matrix 2; plus strand). Cytogenetic location: 16p13.3.
Variant type: single nucleotide variant.
Coding change: c.4382G>T on transcript NM_016333.4 (MANE Select); coding-DNA position 4382, G replaced by T.
Protein change: p.Gly1461Val; replaces glycine 1461 with valine.
Molecular consequence: missense variant.
Genome position (GRCh38, 1-based): chr16:2,764,910, G>T. VCF-style: chr16-2764910-G-T. GRCh37 (hg19) VCF-style: chr16-2814911-G-T.
Other names: c.4382G>T (NM_016333.3); short protein forms G1461V.
Identifiers: ClinVar variation 2672610 (VCV002672610.24), dbSNP rs149555495, ClinGen allele CA7848163.

ClinVar aggregate classification (germline): Likely benign. Review status: criteria provided, single submitter (1 of 4 stars). 2 submissions from 2 submitters: Likely benign (1). 1 of the submissions does not count toward it. Last evaluated 2026-03-01.

Conditions:
SRRM2-related disorder. Also called: SRRM2-related condition.

Allele frequency attached by ClinVar (database versions not stated): 1000 Genomes Project 0.00060; 1000 Genomes Project 30x 0.00062; gnomAD 0.00123; ESP Exome Variant Server 0.00139.

Submissions (2):

CeGaT Center for Human Genetics Tuebingen
Classification: Likely benign. Last evaluated: 2026-03-01. Review status: criteria provided, single submitter. Criteria: CeGaT Center For Human Genetics Tuebingen Variant Classification Criteria Version 2. Collection method: clinical testing. Allele origin: germline. Affected: yes. Observed: 2 variant alleles.
Comment: SRRM2: BS1

PreventionGenetics, part of Exact Sciences
Classification: Likely benign for SRRM2-related condition. Last evaluated: 2023-01-03. Review status: no assertion criteria provided. Collection method: clinical testing. Allele origin: germline. Not counted in ClinVar's aggregate classification.
Comment: This variant is classified as likely benign based on ACMG/AMP sequence variant interpretation guidelines (Richards et al. 2015 PMID: 25741868, with internal and published modifications).